The following is an entry in ClinVar:

NM_015450.3(POT1):c.243T>C (p.Phe81=)

Gene: POT1 (protection of telomeres 1; minus strand). Cytogenetic location: 7q31.33.
Variant type: single nucleotide variant.
Coding change: c.243T>C on transcript NM_015450.3 (MANE Select); coding-DNA position 243, T replaced by C.
Protein change: p.Phe81=; no amino-acid change (phenylalanine 81 retained).
Molecular consequence: synonymous variant. On other transcripts: non-coding transcript variant (3), intron variant (1).
Genome position (GRCh38, 1-based): chr7:124,870,923, A>G on the plus strand (T>C on the coding strand, the complement: POT1 is on the minus strand). VCF-style: chr7-124870923-A-G. GRCh37 (hg19) VCF-style: chr7-124510977-A-G.
Other names: c.-138-7283T>C (NM_001042594.2); c.243T>C (NM_015450.2).
Identifiers: ClinVar variation 3389735 (VCV003389735.14).

ClinVar aggregate classification (germline): Likely benign. Review status: criteria provided, multiple submitters, no conflicts (2 of 4 stars). 2 submissions from 2 submitters: Likely benign (2). Last evaluated 2025-11-23.

Conditions:
Hereditary cancer-predisposing syndrome. Also called: Neoplastic Syndromes, Hereditary; Tumor predisposition; Hereditary Cancer Syndrome; Hereditary neoplastic syndrome. Identifiers: Orphanet 140162, MedGen C0027672, MeSH D009386, MONDO:0015356.

Submissions (2):

Ambry Genetics
Classification: Likely benign for Hereditary cancer-predisposing syndrome. Last evaluated: 2025-11-23. Review status: criteria provided, single submitter. Criteria: Ambry Variant Classification Scheme 2023. Collection method: clinical testing. Allele origin: germline.

CeGaT Center for Human Genetics Tuebingen
Classification: Likely benign. Last evaluated: 2024-09-01. Review status: criteria provided, single submitter. Criteria: CeGaT Center For Human Genetics Tuebingen Variant Classification Criteria Version 2. Collection method: clinical testing. Allele origin: germline. Affected: yes. Observed: 1 variant allele.
Comment: POT1: PM2:Supporting, BP4, BP7